The following is an entry in ClinVar:

NM_005559.4(LAMA1):c.2879C>T (p.Ser960Leu)

Gene: LAMA1 (laminin subunit alpha 1; minus strand). Cytogenetic location: 18p11.31.
Variant type: single nucleotide variant.
Coding change: c.2879C>T on transcript NM_005559.4 (MANE Select); coding-DNA position 2879, C replaced by T.
Protein change: p.Ser960Leu; replaces serine 960 with leucine.
Molecular consequence: missense variant.
Genome position (GRCh38, 1-based): chr18:7,016,601, G>A on the plus strand (C>T on the coding strand, the complement: LAMA1 is on the minus strand). VCF-style: chr18-7016601-G-A. GRCh37 (hg19) VCF-style: chr18-7016600-G-A.
Other names: short protein forms S960L.
Identifiers: ClinVar variation 2433282 (VCV002433282.4), dbSNP rs745925162, ClinGen allele CA8882475.

ClinVar aggregate classification (germline): Uncertain significance. Review status: criteria provided, multiple submitters, no conflicts (2 of 4 stars). 2 submissions from 2 submitters: Uncertain significance (2). Last evaluated 2023-06-22.

Conditions:
Ataxia - intellectual disability - oculomotor apraxia - cerebellar cysts syndrome. Also called: Poretti-Boltshauser syndrome. Identifiers: Orphanet 370022, MedGen C4014821, MONDO:0014419, OMIM 615960.

Allele frequency attached by ClinVar (database versions not stated): gnomAD exomes 0.00003; ExAC 0.00010; TOPMed below 0.00001.
gnomAD v4.1: 49 of 1,614,154 alleles (0.003%); highest among the groups gnomAD compares: South Asian, 0.054%; 1 homozygote.

Submissions (2):

Neuberg Centre For Genomic Medicine, NCGM
Classification: Uncertain significance for Ataxia - intellectual disability - oculomotor apraxia - cerebellar cysts syndrome. Last evaluated: 2023-06-22. Review status: criteria provided, single submitter. Criteria: ACMG Guidelines, 2015. Collection method: clinical testing. Allele origin: germline. Inheritance: Autosomal recessive inheritance. Affected: yes.
Comment: The missense c.2879C>T(p.Ser960Leu) variant in LAMA1 gene has not been reported previously as a pathogenic variant nor as a benign variant, to our knowledge. The p.Ser960Leu variant is present with allele frequency of 0.009% in gnomAD Exomes. This variant has been submitted to the ClinVar database as Uncertain Significance. Multiple lines of computational evidences (Polyphen - Probably damaging, SIFT - Damaging and MutationTaster - Disease causing) predict a damaging effect on protein structure and function for this variant. The reference amino acid at this position on LAMA1 gene is predicted as conserved by GERP++ and PhyloP across 100 vertebrates. The amino acid Ser at position 960 is changed to a Leu changing protein sequence and it might alter its composition and physico-chemical properties. For these reasons, this variant has been classified as a Variant of Uncertain Significance (VUS).

Revvity Omics, Revvity
Classification: Uncertain significance for Ataxia - intellectual disability - oculomotor apraxia - cerebellar cysts syndrome. Last evaluated: 2022-08-31. Review status: criteria provided, single submitter. Criteria: ACMG Guidelines, 2015. Collection method: clinical testing. Allele origin: germline.